The following is an entry in ClinVar:

NC_000002.11:g.(?_73760681)_(73762028_?)del

Gene: ALMS1 (ALMS1 centrosome and basal body associated protein; plus strand). Cytogenetic location: 2p13.1.
Variant type: Deletion.
Identifiers: ClinVar variation 3247163 (VCV003247163.1).

ClinVar aggregate classification (germline): Likely pathogenic (1 of 4 stars; one submission).

Conditions:
Alstrom syndrome (ALMS). Identifiers: Orphanet 64, MedGen C0268425, MONDO:0008763, OMIM 203800.

Submission:

Labcorp Genetics (formerly Invitae), Labcorp
Classification: Likely pathogenic for Alstrom syndrome. Last evaluated: 2020-07-02. Review status: criteria provided, single submitter. Criteria: Invitae Variant Classification Sherloc (09022015). Collection method: clinical testing. Allele origin: unknown.
Comment: In summary, the currently available evidence indicates that the variant is pathogenic, but additional data are needed to prove that conclusively. Therefore, this variant has been classified as Likely Pathogenic. Loss-of-function variants in ALMS1 are known to be pathogenic (PMID: 17594715). This variant has not been reported in the literature in individuals with ALMS1-related conditions. This variant results in the deletion of part of exon 12 of the ALMS1 gene. It is expected to disrupt RNA splicing and likely results in an absent or disrupted protein product.

Literature cited by the submitters: PubMed 17594715.